The following is an entry in ClinVar:

ClinVar aggregate classification (germline): Uncertain significance. Review status: criteria provided, multiple submitters, no conflicts (2 of 4 stars). 3 submissions from 3 submitters: Uncertain significance (3). Last evaluated 2024-09-24.

Conditions:
Cardiac arrhythmia. Also called: Cardiac rhythm disease; Arrhythmia. Identifiers: MedGen C0003811, MONDO:0007263, HP:0011675.
Long QT syndrome (LQTS). Identifiers: MedGen C0023976, MeSH D008133, MONDO:0002442. Disease mechanism: loss of function. Inheritance: Various modes of inheritance.

Allele frequency attached by ClinVar (database versions not stated): TOPMed below 0.00001; gnomAD 0.00001; gnomAD exomes 0.00001.
gnomAD v4.1: 4 of 1,613,294 alleles (0.00025%); highest among the groups gnomAD compares: East Asian, 0.0067%; no homozygotes.

Submissions (3):

Color Diagnostics, LLC DBA Color Health
Classification: Uncertain significance for Cardiac arrhythmia. Last evaluated: 2024-09-24. Review status: criteria provided, single submitter. Criteria: ACMG Guidelines, 2015. Collection method: clinical testing. Allele origin: germline.
Comment: This variant causes a G to A nucleotide substitution at the +5 position of intron 15/15 of the KCNQ1 gene. To our knowledge, functional studies have not been reported for this variant. This variant has not been reported in individuals affected with KCNQ1-related disorders in the literature. This variant has been identified in 3/281992 chromosomes in the general population by the Genome Aggregation Database (gnomAD). The available evidence is insufficient to determine the role of this variant in disease conclusively. Therefore, this variant is classified as a Variant of Uncertain Significance.

Labcorp Genetics (formerly Invitae), Labcorp
Classification: Uncertain significance for Long QT syndrome. Last evaluated: 2024-01-23. Review status: criteria provided, single submitter. Criteria: Invitae Variant Classification Sherloc (09022015). Collection method: clinical testing. Allele origin: germline.
Comment: This sequence change falls in intron 15 of the KCNQ1 gene. It does not directly change the encoded amino acid sequence of the KCNQ1 protein. It affects a nucleotide within the consensus splice site. This variant is present in population databases (no rsID available, gnomAD 0.02%). This variant has not been reported in the literature in individuals affected with KCNQ1-related conditions. Variants that disrupt the consensus splice site are a relatively common cause of aberrant splicing (PMID: 17576681, 9536098). Algorithms developed to predict the effect of sequence changes on RNA splicing suggest that this variant is not likely to affect RNA splicing. In summary, the available evidence is currently insufficient to determine the role of this variant in disease. Therefore, it has been classified as a Variant of Uncertain Significance.

All of Us Research Program, National Institutes of Health
Classification: Uncertain significance for Long QT syndrome. Last evaluated: 2023-04-27. Review status: criteria provided, single submitter. Criteria: ACMG Guidelines, 2015. Collection method: clinical testing. Allele origin: germline. Inheritance: Autosomal dominant inheritance. Observed: 1 variant allele, 1 heterozygote.
Comment: This study involves interpretation of variants in research participants for the purpose of population health screening. Participant phenotype was not available at the time of variant classification. Additional details can be found in publication PMID: 35346344, PMCID: PMC8962531

Literature cited by the submitters: PubMed 17576681 (cited by Labcorp Genetics (formerly Invitae), Labcorp); PubMed 9536098 (cited by Labcorp Genetics (formerly Invitae), Labcorp).

NM_000218.3(KCNQ1):c.1794+5G>A

Gene: KCNQ1 (potassium voltage-gated channel subfamily Q member 1; plus strand). Cytogenetic location: 11p15.5.
Variant type: single nucleotide variant.
Coding change: c.1794+5G>A on transcript NM_000218.3 (MANE Select); 5 bases into the intron after coding-DNA position 1794, G replaced by A.
Molecular consequence: intron variant.
Genome position (GRCh38, 1-based): chr11:2,778,042, G>A. VCF-style: chr11-2778042-G-A. GRCh37 (hg19) VCF-style: chr11-2799272-G-A.
Other names: c.1524+5G>A (NM_001406837.1); c.1698+5G>A (NM_001406836.1); c.1254+5G>A (NM_001406838.1); c.1413+5G>A (NM_181798.2); c.306+5G>A (NM_001406839.1).
Identifiers: ClinVar variation 2740222 (VCV002740222.5), dbSNP rs1232558756, ClinGen allele CA597110484.